The following is an entry in ClinVar:

NM_001715.3(BLK):c.550G>A (p.Glu184Lys)

Genes: BLK (BLK proto-oncogene, Src family tyrosine kinase), BLK-AS1 (BLK antisense RNA 1). Cytogenetic location: 8p23.1.
Variant type: single nucleotide variant.
Coding change: c.550G>A on transcript NM_001715.3 (MANE Select); coding-DNA position 550, G replaced by A.
Protein change: p.Glu184Lys; replaces glutamic acid 184 with lysine.
Molecular consequence: missense variant.
Genome position (GRCh38, 1-based): chr8:11,554,820, G>A. VCF-style: chr8-11554820-G-A. GRCh37 (hg19) VCF-style: chr8-11412329-G-A.
Other names: c.337G>A, p.Glu113Lys (NM_001330465.2); short protein forms E113K, E184K.
Identifiers: ClinVar variation 2120947 (VCV002120947.4), dbSNP rs2117541816, ClinGen allele CA370313340.

ClinVar aggregate classification (germline): Uncertain significance (1 of 4 stars; one submission).

Submission:

Labcorp Genetics (formerly Invitae), Labcorp
Classification: Uncertain significance. Last evaluated: 2024-10-26. Review status: criteria provided, single submitter. Criteria: Invitae Variant Classification Sherloc (09022015). Collection method: clinical testing. Allele origin: germline.
Comment: This sequence change replaces glutamic acid, which is acidic and polar, with lysine, which is basic and polar, at codon 184 of the BLK protein (p.Glu184Lys). This variant is not present in population databases (gnomAD no frequency). This variant has not been reported in the literature in individuals affected with BLK-related conditions. ClinVar contains an entry for this variant (Variation ID: 2120947). An algorithm developed to predict the effect of missense changes on protein structure and function (PolyPhen-2) suggests that this variant is likely to be tolerated. In summary, the available evidence is currently insufficient to determine the role of this variant in disease. Therefore, it has been classified as a Variant of Uncertain Significance.